The following is an entry in ClinVar:

ClinVar aggregate classification (germline): Benign (1 of 4 stars; one submission).

Conditions:
Congenital Muscular Dystrophy, alpha-dystroglycan related.

Allele frequency attached by ClinVar (database versions not stated): ExAC below 0.00001; gnomAD exomes 0.01127 and 0.01710; gnomAD 0.04048 and 0.04280; TOPMed 0.04539; 1000 Genomes Project 0.05092; 1000 Genomes Project 30x 0.05262.
gnomAD v4.1: 7,159 of 252,748 alleles (2.8%); highest among the groups gnomAD compares: African/African-American, 13%; 468 homozygotes.

Submission:

Illumina Laboratory Services, Illumina
Classification: Benign for Congenital Muscular Dystrophy, alpha-dystroglycan related. Last evaluated: 2018-01-13. Review status: criteria provided, single submitter. Criteria: ICSL Variant Classification Criteria 13 December 2019. Collection method: clinical testing. Allele origin: germline.
Comment: This variant was observed in the ICSL laboratory as part of a predisposition screen in an ostensibly healthy population. It had not been previously curated by ICSL or reported in the Human Gene Mutation Database (HGMD: prior to June 1st, 2018), and was therefore a candidate for classification through an automated scoring system. Utilizing variant allele frequency, disease prevalence and penetrance estimates, and inheritance mode, an automated score was calculated to assess if this variant is too frequent to cause the disease. Based on the score and internal cut-off values, a variant classified as benign is not then subjected to further curation. The score for this variant resulted in a classification of benign for this disease.

NM_001101426.4(CRPPA):c.*2149A>C

Gene: CRPPA (CDP-L-ribitol pyrophosphorylase A; minus strand). Cytogenetic location: 7p21.2.
Variant type: single nucleotide variant.
Coding change: c.*2149A>C on transcript NM_001101426.4 (MANE Select); 2149 bases downstream of the stop codon, A replaced by C.
Molecular consequence: 3 prime UTR variant. On other transcripts: non-coding transcript variant (1).
Genome position (GRCh38, 1-based): chr7:16,089,546, T>G on the plus strand (A>C on the coding strand, the complement: CRPPA is on the minus strand). VCF-style: chr7-16089546-T-G. GRCh37 (hg19) VCF-style: chr7-16129171-T-G.
Other names: c.*2149A>C (NM_001101417.4, NM_001368197.1).
Identifiers: ClinVar variation 359546 (VCV000359546.5), dbSNP rs28569130, ClinGen allele CA4169300.